The following is an entry in ClinVar:

ClinVar aggregate classification (germline): Uncertain significance (1 of 4 stars; one submission).

Conditions:
Hereditary cancer-predisposing syndrome. Also called: Neoplastic Syndromes, Hereditary; Tumor predisposition; Hereditary neoplastic syndrome; Hereditary Cancer Syndrome. Identifiers: Orphanet 140162, MedGen C0027672, MeSH D009386, MONDO:0015356.

Submission:

Labcorp Genetics (formerly Invitae), Labcorp
Classification: Uncertain significance for Hereditary cancer-predisposing syndrome. Last evaluated: 2019-11-20. Review status: criteria provided, single submitter. Criteria: Invitae Variant Classification Sherloc (09022015). Collection method: clinical testing. Allele origin: germline.
Comment: In summary, the available evidence is currently insufficient to determine the role of this variant in disease. Therefore, it has been classified as a Variant of Uncertain Significance. Algorithms developed to predict the effect of missense changes on protein structure and function are either unavailable or do not agree on the potential impact of this missense change (SIFT: "Tolerated"; PolyPhen-2: "Possibly Damaging"; Align-GVGD: "Class C0"). This variant has not been reported in the literature in individuals with RAD50-related conditions. This variant is not present in population databases (ExAC no frequency). This sequence change replaces histidine with proline at codon 531 of the RAD50 protein (p.His531Pro). The histidine residue is moderately conserved and there is a moderate physicochemical difference between histidine and proline.

NM_005732.4(RAD50):c.1592A>C (p.His531Pro)

Gene: RAD50 (RAD50 double strand break repair protein; plus strand). Cytogenetic location: 5q31.1.
Variant type: single nucleotide variant.
Coding change: c.1592A>C on transcript NM_005732.4 (MANE Select); coding-DNA position 1592, A replaced by C.
Protein change: p.His531Pro; replaces histidine 531 with proline.
Molecular consequence: missense variant.
Genome position (GRCh38, 1-based): chr5:132,591,363, A>C. VCF-style: chr5-132591363-A-C. GRCh37 (hg19) VCF-style: chr5-131927055-A-C.
Other names: short protein forms H531P.
Identifiers: ClinVar variation 838906 (VCV000838906.10), dbSNP rs776085424, ClinGen allele CA360946053.